The following is an entry in ClinVar:

ClinVar aggregate classification (germline): Conflicting classifications of pathogenicity. Review status: criteria provided, conflicting classifications (1 of 4 stars). 9 submissions from 9 submitters: Uncertain significance (1); Benign (1); Likely benign (5). 2 of the submissions do not count toward it. Last evaluated 2026-07-01.

Conditions:
Inborn genetic diseases. Identifiers: MedGen C0950123, MeSH D030342.
Triglyceride storage disease with ichthyosis (CDS). Also called: Chanarin-Dorfman Syndrome; ICHTHYOSIFORM ERYTHRODERMA WITH LEUKOCYTE VACUOLATION; TRIGLYCERIDE STORAGE DISEASE WITH IMPAIRED LONG-CHAIN FATTY ACID OXIDATION; Dorfman-Chanarin disease. Identifiers: Orphanet 98907, MedGen C0268238, MONDO:0010155, OMIM 275630.
ABHD5-related disorder. Also called: ABHD5-related condition.

Allele frequency attached by ClinVar (database versions not stated): gnomAD 0.00023; TOPMed 0.00029; ESP Exome Variant Server 0.00039; 1000 Genomes Project 0.00140; 1000 Genomes Project 30x 0.00078; ExAC 0.00085.
gnomAD v4.1: 940 of 1,563,176 alleles (0.06%); highest among the groups gnomAD compares: South Asian, 0.4%; 3 homozygotes.

Submissions (12):

CeGaT Center for Human Genetics Tuebingen
Classification: Likely benign. Last evaluated: 2026-07-01. Review status: criteria provided, single submitter. Criteria: CeGaT Center For Human Genetics Tuebingen Variant Classification Criteria Version 2. Collection method: clinical testing. Allele origin: germline. Affected: yes. Observed: 4 variant alleles.
Comment: ABHD5: BS2

Labcorp Genetics (formerly Invitae), Labcorp
Classification: Likely benign. Last evaluated: 2026-02-01. Review status: criteria provided, single submitter. Criteria: Invitae Variant Classification Sherloc (09022015). Collection method: clinical testing. Allele origin: germline.

Genomic Medicine Center of Excellence, King Faisal Specialist Hospital and Research Centre
Classification: Likely benign. Last evaluated: 2025-08-18. Review status: criteria provided, single submitter. Criteria: ACMG Guidelines, 2015. Collection method: clinical testing. Allele origin: germline.

Mayo Clinic Laboratories, Mayo Clinic
Classification: Benign. Last evaluated: 2025-02-06. Review status: criteria provided, single submitter. Criteria: ACMG Guidelines, 2015. Collection method: clinical testing. Allele origin: germline. Observed: 4 variant alleles.
Comment: BS1, BS2

Ambry Genetics
Classification: Uncertain significance for Inborn genetic diseases. Last evaluated: 2024-05-20. Review status: criteria provided, single submitter. Criteria: Ambry Variant Classification Scheme 2023. Collection method: clinical testing. Allele origin: germline.

Illumina Laboratory Services, Illumina
Classification: Likely benign for Triglyceride storage disease with ichthyosis. Last evaluated: 2018-01-13. Review status: criteria provided, single submitter. Criteria: ICSL Variant Classification Criteria 13 December 2019. Collection method: clinical testing. Allele origin: germline.
Comment: This variant was observed in the ICSL laboratory as part of a predisposition screen in an ostensibly healthy population. It had not been previously curated by ICSL or reported in the Human Gene Mutation Database (HGMD: prior to June 1st, 2018), and was therefore a candidate for classification through an automated scoring system. Utilizing variant allele frequency, disease prevalence and penetrance estimates, and inheritance mode, an automated score was calculated to assess if this variant is too frequent to cause the disease. Based on the score and internal cut-off values, a variant classified as likely benign is not then subjected to further curation. The score for this variant resulted in a classification of likely benign for this disease.

Breakthrough Genomics
Classification: Likely benign. Review status: criteria provided, single submitter. Criteria: ACMG Guidelines, 2015. Collection method: not provided. Allele origin: germline. Inheritance: Autosomal recessive inheritance. Affected: yes.

PreventionGenetics, part of Exact Sciences
Classification: Likely benign for ABHD5-related condition. Last evaluated: 2020-06-29. Review status: no assertion criteria provided. Collection method: clinical testing. Allele origin: germline. Not counted in ClinVar's aggregate classification.
Comment: This variant is classified as likely benign based on ACMG/AMP sequence variant interpretation guidelines (Richards et al. 2015 PMID: 25741868, with internal and published modifications).

Department of Pathology and Laboratory Medicine, Sinai Health System
Classification: Uncertain significance. Review status: no assertion criteria provided. Collection method: clinical testing. Allele origin: unknown. Affected: yes. Study: The Canadian Open Genetics Repository (COGR). Not counted in ClinVar's aggregate classification.
Comment: The ABHD5 p.Asp9Gly variant was not identified in the literature nor was it identified in Cosmic or LOVD 3.0. The variant was identified in dbSNP (ID: rs144420157) and in ClinVar (variant is classified as a VUS by Illumina for triglyceride storage disease with ichthyosis). The variant was also identified in control databases in 168 of 228570 chromosomes at a frequency of 0.000735 increasing the likelihood this could be a low frequency benign variant (Genome Aggregation Database Feb 27, 2017). The variant was observed in the following populations: South Asian in 102 of 26300 chromosomes (freq: 0.003878), Other in 7 of 5612 chromosomes (freq: 0.001247), European (non-Finnish) in 55 of 104330 chromosomes (freq: 0.000527), Ashkenazi Jewish in 1 of 8798 chromosomes (freq: 0.000114), East Asian in 1 of 13384 chromosomes (freq: 0.000075), African in 1 of 18420 chromosomes (freq: 0.000054) and Latino in 1 of 29324 chromosomes (freq: 0.000034); it was not observed in the European (Finnish) population. The variant occurs outside of the splicing consensus sequence and 3 of 4 in silico or computational prediction software programs (SpliceSiteFinder, MaxEntScan, GeneSplicer) predict a greater than 10% difference in splicing. The p.Asp9 residue is not conserved in mammals and four out of five computational analyses (PolyPhen-2, SIFT, AlignGVGD, MutationTaster) do not suggest a high likelihood of impact to the protein; however, this information is not predictive enough to rule out pathogenicity. In summary, based on the above information the clinical significance of this variant cannot be determined with certainty at this time. This variant is classified as a variant of uncertain significance.

Dr. Peter K. Rogan Lab, Western University
No classification provided (evidence only). Condition: Sarcoma. Review status: no classification provided. Collection method: in vitro. Allele origin: not applicable. Functional consequence: retained intron. Not counted in ClinVar's aggregate classification.

Dr. Peter K. Rogan Lab, Western University
No classification provided (evidence only). Condition: Sarcoma. Review status: no classification provided. Collection method: in vitro. Allele origin: not applicable. Functional consequence: retained intron. Not counted in ClinVar's aggregate classification.

Dr. Peter K. Rogan Lab, Western University
No classification provided (evidence only). Condition: Ovarian serous cystadenocarcinoma. Review status: no classification provided. Collection method: in vitro. Allele origin: not applicable. Functional consequence: retained intron. Not counted in ClinVar's aggregate classification.

NM_016006.6(ABHD5):c.26A>G (p.Asp9Gly)

Genes: ABHD5 (abhydrolase domain containing 5, lysophosphatidic acid acyltransferase; plus strand), ANO10 (anoctamin 10; minus strand). Cytogenetic location: 3p21.33.
Variant type: single nucleotide variant.
Coding change: c.26A>G on transcript NM_016006.6 (MANE Select); coding-DNA position 26, A replaced by G.
Protein change: p.Asp9Gly; replaces aspartic acid 9 with glycine.
Molecular consequence: missense variant. On other transcripts: non-coding transcript variant (1), intron variant (2).
Genome position (GRCh38, 1-based): chr3:43,691,018, A>G. VCF-style: chr3-43691018-A-G. GRCh37 (hg19) VCF-style: chr3-43732510-A-G.
Other names: p.Asp9Gly; c.26A>G, p.Asp9Gly (NM_001355186.2, NM_001365650.1); c.-12+499T>C (NM_001346469.2, NM_001346468.2); short protein forms D9G.
Identifiers: ClinVar variation 345215 (VCV000345215.49), dbSNP rs144420157, ClinGen allele CA2341219.
Genomic context (GRCh38, chr3:43,691,018, plus strand): 5'-TCGAGATAAGTCCCGGCGCTTGCGCGGCGGCGGCTATGGCGGCGGAGGAGGAGGAGGTGG[A>G]CTCTGCCGACACCGGAGAGAGGTAAGCGCAGCCGGCAGGGGGCTTCGTGTGTCTCCGGCG-3'
Protein context (NP_057090.2, residues 1-19): MAAEEEEV[Asp9Gly]SADTGERSGW